The following is an entry in ClinVar:

NM_017947.4(MOCOS):c.1311C>T (p.Asn437=)

Gene: MOCOS (molybdenum cofactor sulfurase; plus strand). Cytogenetic location: 18q12.2.
Variant type: single nucleotide variant.
Coding change: c.1311C>T on transcript NM_017947.4 (MANE Select); coding-DNA position 1311, C replaced by T.
Protein change: p.Asn437=; no amino-acid change (asparagine 437 retained).
Molecular consequence: synonymous variant.
Genome position (GRCh38, 1-based): chr18:36,213,458, C>T. VCF-style: chr18-36213458-C-T. GRCh37 (hg19) VCF-style: chr18-33793421-C-T.
Other names: c.1311C>T (NM_017947.2).
Identifiers: ClinVar variation 2706999 (VCV002706999.5), dbSNP rs139751799, ClinGen allele CA8940688.

ClinVar aggregate classification (germline): Likely benign. Review status: criteria provided, single submitter (1 of 4 stars). 2 submissions from 2 submitters: Likely benign (1). 1 of the submissions does not count toward it. Last evaluated 2025-04-26.

Conditions:
Xanthinuria type II. Also called: Xanthine dehydrogenase and aldehyde oxidase combined deficiency of; XDH and AOX dual deficiency. Identifiers: Orphanet 3467, Orphanet 93602, MedGen C1863688, MONDO:0011346, OMIM 603592.
MOCOS-related disorder. Also called: MOCOS-related condition.

Allele frequency attached by ClinVar (database versions not stated): ESP Exome Variant Server 0.00023; 1000 Genomes Project 30x 0.00031; 1000 Genomes Project 0.00040; gnomAD exomes 0.00004; ExAC 0.00007.
gnomAD v4.1: 79 of 1,613,856 alleles (0.0049%); highest among the groups gnomAD compares: Middle Eastern, 0.034%; no homozygotes.

Submissions (2):

Labcorp Genetics (formerly Invitae), Labcorp
Classification: Likely benign for Xanthinuria type II. Last evaluated: 2025-04-26. Review status: criteria provided, single submitter. Criteria: Invitae Variant Classification Sherloc (09022015). Collection method: clinical testing. Allele origin: germline.

PreventionGenetics, part of Exact Sciences
Classification: Likely benign for MOCOS-related condition. Last evaluated: 2019-09-26. Review status: no assertion criteria provided. Collection method: clinical testing. Allele origin: germline. Not counted in ClinVar's aggregate classification.
Comment: This variant is classified as likely benign based on ACMG/AMP sequence variant interpretation guidelines (Richards et al. 2015 PMID: 25741868, with internal and published modifications).